The following is an entry in ClinVar:

NM_006648.4(WNK2):c.2359C>T (p.Pro787Ser)

Gene: WNK2 (WNK lysine deficient protein kinase 2; plus strand). Cytogenetic location: 9q22.31.
Variant type: single nucleotide variant.
Coding change: c.2359C>T on transcript NM_006648.4 (MANE Select); coding-DNA position 2359, C replaced by T.
Protein change: p.Pro787Ser; replaces proline 787 with serine.
Molecular consequence: missense variant.
Genome position (GRCh38, 1-based): chr9:93,257,116, C>T. VCF-style: chr9-93257116-C-T. GRCh37 (hg19) VCF-style: chr9-96019398-C-T.
Other names: c.2359C>T, p.Pro787Ser (NM_001282394.3); short protein forms P787S.
Identifiers: ClinVar variation 3817227 (VCV003817227.1).

ClinVar aggregate classification (germline): Uncertain significance (1 of 4 stars; one submission).

Submission:

Ambry Genetics
Classification: Uncertain significance. Last evaluated: 2025-03-07. Review status: criteria provided, single submitter. Criteria: Ambry Variant Classification Scheme 2023. Collection method: clinical testing. Allele origin: germline.
Comment: The p.P787S variant (also known as c.2359C>T), located in coding exon 10 of the WNK2 gene, results from a C to T substitution at nucleotide position 2359. The proline at codon 787 is replaced by serine, an amino acid with similar properties. This amino acid position is conserved. In addition, this alteration is predicted to be tolerated by in silico analysis. Based on the available evidence, the clinical significance of this variant remains unclear.